The following is an entry in ClinVar:

ClinVar aggregate classification (germline): Uncertain significance. Review status: criteria provided, multiple submitters, no conflicts (2 of 4 stars). 2 submissions from 2 submitters: Uncertain significance (2). Last evaluated 2025-12-14.

Conditions:
Cardiovascular phenotype. Identifiers: MedGen CN230736.
Progressive familial heart block type IB (PFHB1B). Identifiers: Orphanet 871, MedGen C1970298, MONDO:0011474, OMIM 604559.

Allele frequency attached by ClinVar (database versions not stated): gnomAD exomes 0.00003 and 0.00004; gnomAD 0.00004 and 0.00006; TOPMed 0.00004; ExAC 0.00007; ESP Exome Variant Server 0.00008.
gnomAD v4.1: 72 of 1,613,912 alleles (0.0045%); highest among the groups gnomAD compares: South Asian, 0.03%; no homozygotes.

Submissions (2):

Labcorp Genetics (formerly Invitae), Labcorp
Classification: Uncertain significance for Progressive familial heart block type IB. Last evaluated: 2025-12-14. Review status: criteria provided, single submitter. Criteria: Invitae Variant Classification Sherloc (09022015). Collection method: clinical testing. Allele origin: germline.
Comment: This sequence change replaces arginine, which is basic and polar, with histidine, which is basic and polar, at codon 108 of the TRPM4 protein (p.Arg108His). This variant is present in population databases (rs371414435, gnomAD 0.02%). This variant has not been reported in the literature in individuals affected with TRPM4-related conditions. ClinVar contains an entry for this variant (Variation ID: 1415685). An algorithm developed to predict the effect of missense changes on protein structure and function outputs the following: PolyPhen-2: "Benign". The histidine amino acid residue is found in multiple mammalian species, which suggests that this missense change does not adversely affect protein function. In summary, the available evidence is currently insufficient to determine the role of this variant in disease. Therefore, it has been classified as a Variant of Uncertain Significance.

Ambry Genetics
Classification: Uncertain significance for Cardiovascular phenotype. Last evaluated: 2025-02-27. Review status: criteria provided, single submitter. Criteria: Ambry Variant Classification Scheme 2023. Collection method: clinical testing. Allele origin: germline.
Comment: The p.R108H variant (also known as c.323G>A), located in coding exon 4 of the TRPM4 gene, results from a G to A substitution at nucleotide position 323. The arginine at codon 108 is replaced by histidine, an amino acid with highly similar properties. This amino acid position is conserved. In addition, this alteration is predicted to be tolerated by in silico analysis. Since supporting evidence is limited at this time, the clinical significance of this alteration remains unclear.

NM_017636.4(TRPM4):c.323G>A (p.Arg108His)

Gene: TRPM4 (transient receptor potential cation channel subfamily M member 4; plus strand). Cytogenetic location: 19q13.33.
Variant type: single nucleotide variant.
Coding change: c.323G>A on transcript NM_017636.4 (MANE Select); coding-DNA position 323, G replaced by A.
Protein change: p.Arg108His; replaces arginine 108 with histidine.
Molecular consequence: missense variant. On other transcripts: intron variant (4).
Genome position (GRCh38, 1-based): chr19:49,167,972, G>A. VCF-style: chr19-49167972-G-A. GRCh37 (hg19) VCF-style: chr19-49671229-G-A.
Other names: c.323G>A, p.Arg108His (NM_001195227.2); c.-1105-288G>A (NM_001321282.2); c.268-581G>A (NM_001321281.2); c.-74-288G>A (NM_001321283.2); c.-237-581G>A (NM_001321285.2); short protein forms R108H.
Identifiers: ClinVar variation 1415685 (VCV001415685.9), dbSNP rs371414435, ClinGen allele CA9568783.
Genomic context (GRCh38, chr19:49,167,972, plus strand): 5'-CACAGTTCCTCCGGCTCTCTGACCGAACGGATCCAGCTGCAGTTTATAGTCTGGTCACAC[G>A]CACATGGGGCTTCCGTGCCCCGAACCTGGTGGTGTCAGTGCTGGGGGGATCGGGGGGCCC-3'
Protein context (NP_060106.2, residues 98-118): DPAAVYSLVT[Arg108His]TWGFRAPNLV